The following is an entry in ClinVar:

ClinVar aggregate classification (germline): Uncertain significance. Review status: criteria provided, multiple submitters, no conflicts (2 of 4 stars). 2 submissions from 2 submitters: Uncertain significance (2). Last evaluated 2024-11-14.

Conditions:
Nephrotic syndrome 15. Identifiers: MedGen C4539896, MONDO:0033262, OMIM 617609.

gnomAD v4.1: 22 of 1,570,958 alleles (0.0014%); highest among the groups gnomAD compares: Admixed American, 0.014%; no homozygotes.

Submissions (2):

Labcorp Genetics (formerly Invitae), Labcorp
Classification: Uncertain significance. Last evaluated: 2024-11-14. Review status: criteria provided, single submitter. Criteria: Invitae Variant Classification Sherloc (09022015). Collection method: clinical testing. Allele origin: germline.
Comment: This sequence change replaces leucine, which is neutral and non-polar, with phenylalanine, which is neutral and non-polar, at codon 1328 of the MAGI2 protein (p.Leu1328Phe). This variant is present in population databases (rs752287449, gnomAD 0.02%). This variant has not been reported in the literature in individuals affected with MAGI2-related conditions. An algorithm developed to predict the effect of missense changes on protein structure and function (PolyPhen-2) suggests that this variant is likely to be tolerated. Algorithms developed to predict the effect of sequence changes on RNA splicing suggest that this variant may create or strengthen a splice site. In summary, the available evidence is currently insufficient to determine the role of this variant in disease. Therefore, it has been classified as a Variant of Uncertain Significance.

Fulgent Genetics
Classification: Uncertain significance for Nephrotic syndrome 15. Last evaluated: 2024-01-10. Review status: criteria provided, single submitter. Criteria: ACMG Guidelines, 2015. Collection method: clinical testing. Allele origin: germline.

NM_012301.4(MAGI2):c.3982C>T (p.Leu1328Phe)

Gene: MAGI2 (membrane associated guanylate kinase, WW and PDZ domain containing 2; minus strand). Cytogenetic location: 7q21.11.
Variant type: single nucleotide variant.
Coding change: c.3982C>T on transcript NM_012301.4 (MANE Select); coding-DNA position 3982, C replaced by T.
Protein change: p.Leu1328Phe; replaces leucine 1328 with phenylalanine.
Molecular consequence: missense variant.
Genome position (GRCh38, 1-based): chr7:78,019,701, G>A on the plus strand (C>T on the coding strand, the complement: MAGI2 is on the minus strand). VCF-style: chr7-78019701-G-A. GRCh37 (hg19) VCF-style: chr7-77649018-G-A.
Other names: c.3940C>T, p.Leu1314Phe (NM_001301128.2); short protein forms L1314F, L1328F.
Identifiers: ClinVar variation 3594799 (VCV003594799.3).